The following is an entry in ClinVar:

NM_001271938.2(MEGF8):c.2530C>G (p.Arg844Gly)

Gene: MEGF8 (multiple EGF like domains 8; plus strand). Cytogenetic location: 19q13.2.
Variant type: single nucleotide variant.
Coding change: c.2530C>G on transcript NM_001271938.2 (MANE Select); coding-DNA position 2530, C replaced by G.
Protein change: p.Arg844Gly; replaces arginine 844 with glycine.
Molecular consequence: missense variant.
Genome position (GRCh38, 1-based): chr19:42,350,178, C>G. VCF-style: chr19-42350178-C-G. GRCh37 (hg19) VCF-style: chr19-42854330-C-G.
Other names: c.2329C>G, p.Arg777Gly (NM_001410.3); short protein forms R777G, R844G.
Identifiers: ClinVar variation 1712764 (VCV001712764.2), dbSNP rs755969171, ClinGen allele CA406097890.

ClinVar aggregate classification (germline): Uncertain significance (1 of 4 stars; one submission).

Submission:

GeneDx
Classification: Uncertain significance. Last evaluated: 2022-04-27. Review status: criteria provided, single submitter. Criteria: GeneDx Variant Classification Process June 2021. Collection method: clinical testing. Allele origin: germline. Affected: yes.
Comment: Not observed at significant frequency in large population cohorts (gnomAD); In silico analysis supports that this missense variant has a deleterious effect on protein structure/function; Has not been previously published as pathogenic or benign to our knowledge